The following is an entry in ClinVar:

NM_000238.4(KCNH2):c.1132dup (p.Leu378fs)

Gene: KCNH2 (potassium voltage-gated channel subfamily H member 2; minus strand). Cytogenetic location: 7q36.1.
Variant type: Duplication.
Coding change: c.1132dup on transcript NM_000238.4 (MANE Select); coding-DNA position 1132, one base duplicated (C; older notation c.1132dupC).
Protein change: p.Leu378fs; shifts the reading frame from leucine 378.
Molecular consequence: frameshift variant.
Genome position (GRCh38, 1-based): chr7:150,952,850, G duplicated on the plus strand (C on the coding strand, the reverse complement: KCNH2 is on the minus strand); the first of 2 consecutive G bases (chr7:150,952,850-150,952,851); duplicating either gives the same sequence. VCF-style (leftmost placement, unchanged base first): chr7-150952849-A-AG. GRCh37 (hg19) VCF-style: chr7-150649937-A-AG.
Other names: c.112dup, p.Leu38fs (NM_001204798.2, NM_172057.3); c.843dup, p.Leu282Profs (NM_001406753.1, NM_001406756.1); c.954dup, p.Leu319Profs (NM_001406755.1); c.831dup, p.Leu278Profs (NM_001406757.1); c.1131dup, p.Leu378Profs (NM_172056.3); short protein forms L378fs, L38fs.
Identifiers: ClinVar variation 200626 (VCV000200626.4), dbSNP rs794728432, ClinGen allele CA305304.
Genomic context (GRCh38, chr7:150,952,849, plus strand): 5'-CAGCGGTGGATGCGCGGTGCCTGCAGCTTGTACTCAGGCAGCACGTCGGCGCCCAGGGAC[A>AG]GGACCTGCACCCGGGGAAGGCGGAGGTGTGGGTGAGGCAGGCCATGGGACCTCGGGGGCA-3'

ClinVar aggregate classification (germline): Likely pathogenic (1 of 4 stars; one submission).

Submission:

GeneDx
Classification: Likely pathogenic. Last evaluated: 2016-04-12. Review status: criteria provided, single submitter. Criteria: GeneDx Variant Classification (06012015). Collection method: clinical testing. Allele origin: germline. Affected: yes.
Comment: Although the c.1132dupC variant in the KCNH2 gene has not been reported to our knowledge, this variant causes a shift in reading frame starting at codon Leucine 378, changing it to a Proline, and creating a premature stop codon at position 10 of the new reading frame, denoted p.Leu378ProfsX10. This variant is expected to result in either an abnormal, truncated protein product or loss of protein from this allele through nonsense-mediated mRNA decay. Other frameshift variants in the KCNH2 gene have been reported in HGMD in association with LQTS (Stenson P et al., 2009).